The following is an entry in ClinVar:

ClinVar aggregate classification (germline): Uncertain significance (1 of 4 stars; one submission).

Conditions:
Ehlers-Danlos syndrome, dermatosparaxis type. Also called: Dermatosparaxis; Ehlers-Danlos syndrome, type VII, autosomal recessive; EDS VIIC. Identifiers: Orphanet 1901, MedGen C2700425, MONDO:0009161, OMIM 225410.

Allele frequency attached by ClinVar (database versions not stated): gnomAD exomes below 0.00001.
gnomAD v4.1: 2 of 1,614,094 alleles (0.00012%); highest among the groups gnomAD compares: Non-Finnish European, 0.00017%; no homozygotes.

Submission:

Labcorp Genetics (formerly Invitae), Labcorp
Classification: Uncertain significance for Ehlers-Danlos syndrome, dermatosparaxis type. Last evaluated: 2022-09-01. Review status: criteria provided, single submitter. Criteria: Invitae Variant Classification Sherloc (09022015). Collection method: clinical testing. Allele origin: germline.
Comment: In summary, the available evidence is currently insufficient to determine the role of this variant in disease. Therefore, it has been classified as a Variant of Uncertain Significance. Algorithms developed to predict the effect of missense changes on protein structure and function are either unavailable or do not agree on the potential impact of this missense change (SIFT: "Deleterious"; PolyPhen-2: "Benign"; Align-GVGD: "Class C0"). ClinVar contains an entry for this variant (Variation ID: 1511496). This variant has not been reported in the literature in individuals affected with ADAMTS2-related conditions. This variant is not present in population databases (gnomAD no frequency). This sequence change replaces proline, which is neutral and non-polar, with threonine, which is neutral and polar, at codon 1143 of the ADAMTS2 protein (p.Pro1143Thr).

NM_014244.5(ADAMTS2):c.3427C>A (p.Pro1143Thr)

Gene: ADAMTS2 (ADAM metallopeptidase with thrombospondin type 1 motif 2; minus strand). Cytogenetic location: 5q35.3.
Variant type: single nucleotide variant.
Coding change: c.3427C>A on transcript NM_014244.5 (MANE Select); coding-DNA position 3427, C replaced by A.
Protein change: p.Pro1143Thr; replaces proline 1143 with threonine.
Molecular consequence: missense variant.
Genome position (GRCh38, 1-based): chr5:179,114,076, G>T on the plus strand (C>A on the coding strand, the complement: ADAMTS2 is on the minus strand). VCF-style: chr5-179114076-G-T. GRCh37 (hg19) VCF-style: chr5-178541077-G-T.
Other names: short protein forms P1143T.
Identifiers: ClinVar variation 1511496 (VCV001511496.6), dbSNP rs2113161332, ClinGen allele CA362411439.
Genomic context (GRCh38, chr5:179,114,076, plus strand): 5'-CATCTACGGCATTGGTTTCTGGGTGATCCTCTGTGGCATTGGTGCTGGAGGCATTGAGAG[G>T]GACCTCCAGGGGGGTGCTTGGTGATGGCCGCACCTCCATGGCTACAGTGGGCACTGGGAG-3'
Protein context (NP_055059.2, residues 1133-1153): RPSPSTPLEV[Pro1143Thr]LNASSTNATE